The following is an entry in ClinVar:

ClinVar aggregate classification (germline): Benign/Likely benign. Review status: criteria provided, multiple submitters, no conflicts (2 of 4 stars). 5 submissions from 4 submitters: Benign (1); Likely benign (4). Last evaluated 2025-12-24.

Conditions:
Inborn genetic diseases. Identifiers: MedGen C0950123, MeSH D030342.
Amyotrophic lateral sclerosis type 1 (ALS1). Also called: AMYOTROPHIC LATERAL SCLEROSIS 1, FAMILIAL. Identifiers: Orphanet 803, MedGen C1862939, MONDO:0007103, OMIM 105400.
Perry syndrome. Also called: PARKINSONISM WITH ALVEOLAR HYPOVENTILATION AND MENTAL DEPRESSION. Identifiers: Orphanet 178509, MedGen C1868594, MONDO:0008201, OMIM 168605.
Neuronopathy, distal hereditary motor, type 7B. Also called: Distal Hereditary Motor Neuronopathy Type 7B (dHMN7B); HMN VIIB; LOWER MOTOR NEURON DISEASE, DYNACTIN TYPE; NEURONOPATHY, DISTAL HEREDITARY MOTOR, AUTOSOMAL DOMINANT 14; NEURONOPATHY, DISTAL HEREDITARY MOTOR, HARDING TYPE VIIB; NEUROPATHY, DISTAL HEREDITARY MOTOR, HARDING TYPE VIIB. Identifiers: Orphanet 139589, MedGen C1843315, MONDO:0011879, OMIM 607641.

Allele frequency attached by ClinVar (database versions not stated): ExAC 0.00002; TOPMed 0.00003; gnomAD 0.00004; gnomAD exomes 0.00004 and 0.00005; ESP Exome Variant Server 0.00008.
gnomAD v4.1: 85 of 1,613,998 alleles (0.0053%); highest among the groups gnomAD compares: Non-Finnish European, 0.0067%; no homozygotes.

Submissions (5):

Labcorp Genetics (formerly Invitae), Labcorp
Classification: Likely benign for Amyotrophic lateral sclerosis type 1; Neuronopathy, distal hereditary motor, type 7B; Perry syndrome. Last evaluated: 2025-12-24. Review status: criteria provided, single submitter. Criteria: Invitae Variant Classification Sherloc (09022015). Collection method: clinical testing. Allele origin: germline.

ARUP Laboratories, Molecular Genetics and Genomics, ARUP Laboratories
Classification: Likely benign. Last evaluated: 2021-02-27. Review status: criteria provided, single submitter. Criteria: ARUP Molecular Germline Variant Investigation Process 2021. Collection method: clinical testing. Allele origin: germline.

Ambry Genetics
Classification: Likely benign for Inborn genetic diseases. Last evaluated: 2019-07-11. Review status: criteria provided, single submitter. Criteria: Ambry Variant Classification Scheme 2023. Collection method: clinical testing. Allele origin: germline.

Illumina Laboratory Services, Illumina
Classification: Benign for Perry syndrome. Last evaluated: 2018-01-12. Review status: criteria provided, single submitter. Criteria: ICSL Variant Classification Criteria 13 December 2019. Collection method: clinical testing. Allele origin: germline.
Comment: This variant was observed in the ICSL laboratory as part of a predisposition screen in an ostensibly healthy population. It had not been previously curated by ICSL or reported in the Human Gene Mutation Database (HGMD: prior to June 1st, 2018), and was therefore a candidate for classification through an automated scoring system. Utilizing variant allele frequency, disease prevalence and penetrance estimates, and inheritance mode, an automated score was calculated to assess if this variant is too frequent to cause the disease. Based on the score and internal cut-off values, a variant classified as benign is not then subjected to further curation. The score for this variant resulted in a classification of benign for this disease.

Illumina Laboratory Services, Illumina
Classification: Likely benign for Neuronopathy, distal hereditary motor, type 7B. Last evaluated: 2018-01-12. Review status: criteria provided, single submitter. Criteria: ICSL Variant Classification Criteria 13 December 2019. Collection method: clinical testing. Allele origin: germline.
Comment: This variant was observed in the ICSL laboratory as part of a predisposition screen in an ostensibly healthy population. It had not been previously curated by ICSL or reported in the Human Gene Mutation Database (HGMD: prior to June 1st, 2018), and was therefore a candidate for classification through an automated scoring system. Utilizing variant allele frequency, disease prevalence and penetrance estimates, and inheritance mode, an automated score was calculated to assess if this variant is too frequent to cause the disease. Based on the score and internal cut-off values, a variant classified as likely benign is not then subjected to further curation. The score for this variant resulted in a classification of likely benign for this disease.

NM_004082.5(DCTN1):c.2952C>G (p.Ala984=)

Gene: DCTN1 (dynactin subunit 1; minus strand). Cytogenetic location: 2p13.1.
Variant type: single nucleotide variant.
Coding change: c.2952C>G on transcript NM_004082.5 (MANE Select); coding-DNA position 2952, C replaced by G.
Protein change: p.Ala984=; no amino-acid change (alanine 984 retained).
Molecular consequence: synonymous variant. On other transcripts: non-coding transcript variant (1).
Genome position (GRCh38, 1-based): chr2:74,365,592, G>C on the plus strand (C>G on the coding strand, the complement: DCTN1 is on the minus strand). VCF-style: chr2-74365592-G-C. GRCh37 (hg19) VCF-style: chr2-74592719-G-C.
Other names: c.2892C>G, p.Ala964= (NM_001135040.3); c.2550C>G, p.Ala850= (NM_001135041.3, NM_023019.4); c.2841C>G, p.Ala947= (NM_001190836.2); c.2931C>G, p.Ala977= (NM_001190837.2); c.2901C>G, p.Ala967= (NM_001378991.1); c.2883C>G, p.Ala961= (NM_001378992.1).
Identifiers: ClinVar variation 468269 (VCV000468269.21), dbSNP rs371241720, ClinGen allele CA1721668.